The following is an entry in ClinVar:

NM_018012.4(KIF26B):c.1228G>A (p.Ala410Thr)

Gene: KIF26B (kinesin family member 26B; plus strand). Cytogenetic location: 1q44.
Variant type: single nucleotide variant.
Coding change: c.1228G>A on transcript NM_018012.4 (MANE Select); coding-DNA position 1228, G replaced by A.
Protein change: p.Ala410Thr; replaces alanine 410 with threonine.
Molecular consequence: missense variant.
Genome position (GRCh38, 1-based): chr1:245,540,828, G>A. VCF-style: chr1-245540828-G-A. GRCh37 (hg19) VCF-style: chr1-245704130-G-A.
Other names: c.1228G>A (NM_018012.3); short protein forms A410T.
Identifiers: ClinVar variation 2640229 (VCV002640229.25), dbSNP rs61754898, ClinGen allele CA1487651.

ClinVar aggregate classification (germline): Likely benign. Review status: criteria provided, single submitter (1 of 4 stars). 2 submissions from 2 submitters: Likely benign (1). 1 of the submissions does not count toward it. Last evaluated 2024-11-01.

Conditions:
KIF26B-related disorder. Also called: KIF26B-related condition.

Allele frequency attached by ClinVar (database versions not stated): 1000 Genomes Project 30x 0.00094.
gnomAD v4.1: 1,160 of 1,613,814 alleles (0.072%); highest among the groups gnomAD compares: Middle Eastern, 0.21%; 6 homozygotes.

Submissions (2):

CeGaT Center for Human Genetics Tuebingen
Classification: Likely benign. Last evaluated: 2024-11-01. Review status: criteria provided, single submitter. Criteria: CeGaT Center For Human Genetics Tuebingen Variant Classification Criteria Version 2. Collection method: clinical testing. Allele origin: germline. Affected: yes. Observed: 2 variant alleles.
Comment: KIF26B: BP4, BS2

PreventionGenetics, part of Exact Sciences
Classification: Likely benign for KIF26B-related condition. Last evaluated: 2020-05-21. Review status: no assertion criteria provided. Collection method: clinical testing. Allele origin: germline. Not counted in ClinVar's aggregate classification.
Comment: This variant is classified as likely benign based on ACMG/AMP sequence variant interpretation guidelines (Richards et al. 2015 PMID: 25741868, with internal and published modifications).